The following is an entry in ClinVar:

ClinVar aggregate classification (germline): Uncertain significance (1 of 4 stars; one submission).

Conditions:
Myoclonic dystonia 11 (DYT11). Also called: DYT-SGCE; Myoclonic dystonia; Dystonia 11; Dystonia, alcohol responsive; Hereditary essential myoclonus; SGCE Myoclonus-Dystonia. Identifiers: Orphanet 36899, MedGen C1834570, MONDO:0008044, OMIM 159900.

Allele frequency attached by ClinVar (database versions not stated): gnomAD exomes below 0.00001; TOPMed below 0.00001; gnomAD 0.00001.
gnomAD v4.1: 4 of 1,611,074 alleles (0.00025%); highest among the groups gnomAD compares: Non-Finnish European, 0.00034%; no homozygotes.

Submission:

Labcorp Genetics (formerly Invitae), Labcorp
Classification: Uncertain significance for Myoclonic dystonia 11. Last evaluated: 2019-08-24. Review status: criteria provided, single submitter. Criteria: Invitae Variant Classification Sherloc (09022015). Collection method: clinical testing. Allele origin: germline.
Comment: Algorithms developed to predict the effect of missense changes on protein structure and function are either unavailable or do not agree on the potential impact of this missense change (SIFT: "Deleterious"; PolyPhen-2: "Benign"; Align-GVGD: "Class C0"). This variant has not been reported in the literature in individuals with SGCE-related conditions. This variant is not present in population databases (ExAC no frequency). This sequence change replaces tyrosine with histidine at codon 74 of the SGCE protein (p.Tyr74His). The tyrosine residue is highly conserved and there is a moderate physicochemical difference between tyrosine and histidine. In summary, the available evidence is currently insufficient to determine the role of this variant in disease. Therefore, it has been classified as a Variant of Uncertain Significance.

NM_003919.3(SGCE):c.220T>C (p.Tyr74His)

Genes: CASD1 (CAS1 domain sialic acid O acetyltransferase 1; plus strand), SGCE (sarcoglycan epsilon; minus strand). Cytogenetic location: 7q21.3.
Variant type: single nucleotide variant.
Coding change: c.220T>C on transcript NM_003919.3 (MANE Select); coding-DNA position 220, T replaced by C.
Protein change: p.Tyr74His; replaces tyrosine 74 with histidine.
Molecular consequence: missense variant. On other transcripts: 5 prime UTR variant (2), intron variant (2).
Genome position (GRCh38, 1-based): chr7:94,629,731, A>G on the plus strand (T>C on the coding strand, the complement: SGCE is on the minus strand). VCF-style: chr7-94629731-A-G. GRCh37 (hg19) VCF-style: chr7-94259043-A-G.
Other names: c.220T>C, p.Tyr74His (NM_001099400.2, NM_001099401.2, NM_001346717.2); c.328T>C, p.Tyr110His (NM_001346713.2, NM_001346715.2); c.133T>C, p.Tyr45His (NM_001346719.2, NM_001362807.2); c.-54T>C (NM_001346720.2, NM_001362808.2); c.110-1372T>C (NM_001362809.2, NM_001301139.2); short protein forms Y110H, Y74H, Y45H.
Identifiers: ClinVar variation 943236 (VCV000943236.9), dbSNP rs1804372933, ClinGen allele CA368239000.
Genomic context (GRCh38, chr7:94,629,731, plus strand): 5'-AAAAAATTTAGTACGTTAACTGCTTTTTTTTCCTCACAAAGAACATACCAGGTTTTGGGT[A>G]AGGTGGAAATTCCCCCTTAAAATATTCTCTTTCCAAAACATGAACAAAGAGGACACCTGC-3'
Protein context (NP_003910.1, residues 64-84): REYFKGEFPP[Tyr74His]PKPGEISNDP